The following is an entry in ClinVar:

NM_182972.3(IRF2BP2):c.236C>T (p.Ala79Val)

Genes: IRF2BP2 (interferon regulatory factor 2 binding protein 2; minus strand), LOC129932812 (ATAC-STARR-seq lymphoblastoid silent region 1977; plus strand). Cytogenetic location: 1q42.3.
Variant type: single nucleotide variant.
Coding change: c.236C>T on transcript NM_182972.3 (MANE Select); coding-DNA position 236, C replaced by T.
Protein change: p.Ala79Val; replaces alanine 79 with valine.
Molecular consequence: missense variant.
Genome position (GRCh38, 1-based): chr1:234,609,259, G>A on the plus strand (C>T on the coding strand, the complement: IRF2BP2 is on the minus strand). VCF-style: chr1-234609259-G-A. GRCh37 (hg19) VCF-style: chr1-234745005-G-A.
Other names: c.236C>T, p.Ala79Val (NM_001077397.1); c.236C>T (NM_182972.2); short protein forms A79V.
Identifiers: ClinVar variation 1357504 (VCV001357504.7), dbSNP rs1336430512, ClinGen allele CA345311500.

ClinVar aggregate classification (germline): Uncertain significance. Review status: criteria provided, multiple submitters, no conflicts (2 of 4 stars). 2 submissions from 2 submitters: Uncertain significance (2). Last evaluated 2025-08-04.

Allele frequency attached by ClinVar (database versions not stated): gnomAD 0.00001; gnomAD exomes 0.00001; TOPMed 0.00002.
gnomAD v4.1: 10 of 1,370,604 alleles (0.00073%); highest among the groups gnomAD compares: Admixed American, 0.0038%; 1 homozygote.

Submissions (2):

Ambry Genetics
Classification: Uncertain significance. Last evaluated: 2025-08-04. Review status: criteria provided, single submitter. Criteria: Ambry Variant Classification Scheme 2023. Collection method: clinical testing. Allele origin: germline.

Labcorp Genetics (formerly Invitae), Labcorp
Classification: Uncertain significance. Last evaluated: 2025-02-09. Review status: criteria provided, single submitter. Criteria: Invitae Variant Classification Sherloc (09022015). Collection method: clinical testing. Allele origin: germline.
Comment: This sequence change replaces alanine, which is neutral and non-polar, with valine, which is neutral and non-polar, at codon 79 of the IRF2BP2 protein (p.Ala79Val). This variant is not present in population databases (gnomAD no frequency). This variant has not been reported in the literature in individuals affected with IRF2BP2-related conditions. ClinVar contains an entry for this variant (Variation ID: 1357504). An algorithm developed to predict the effect of missense changes on protein structure and function (PolyPhen-2) suggests that this variant is likely to be tolerated. In summary, the available evidence is currently insufficient to determine the role of this variant in disease. Therefore, it has been classified as a Variant of Uncertain Significance.